The following is an entry in ClinVar:

NM_005477.3(HCN4):c.3262G>A (p.Ala1088Thr)

Gene: HCN4 (hyperpolarization activated cyclic nucleotide gated potassium channel 4; minus strand). Cytogenetic location: 15q24.1.
Variant type: single nucleotide variant.
Coding change: c.3262G>A on transcript NM_005477.3 (MANE Select); coding-DNA position 3262, G replaced by A.
Protein change: p.Ala1088Thr; replaces alanine 1088 with threonine.
Molecular consequence: missense variant.
Genome position (GRCh38, 1-based): chr15:73,322,831, C>T on the plus strand (G>A on the coding strand, the complement: HCN4 is on the minus strand). VCF-style: chr15-73322831-C-T. GRCh37 (hg19) VCF-style: chr15-73615172-C-T.
Other names: short protein forms A1088T.
Identifiers: ClinVar variation 470664 (VCV000470664.7), dbSNP rs1050326641, ClinGen allele CA272663481.

ClinVar aggregate classification (germline): Uncertain significance. Review status: criteria provided, multiple submitters, no conflicts (2 of 4 stars). 3 submissions from 3 submitters: Uncertain significance (3). Last evaluated 2024-12-20.

Conditions:
Cardiovascular phenotype. Identifiers: MedGen CN230736.
Brugada syndrome 8 (BRGDA8). Identifiers: Orphanet 130, MedGen C2751083, MONDO:0013148, OMIM 613123.
Cardiomyopathy (CMYO). Also called: Cardiomyopathies. Identifiers: Orphanet 167848, MedGen C0878544, MONDO:0004994, HP:0001638. Inheritance: Various modes of inheritance.

Allele frequency attached by ClinVar (database versions not stated): gnomAD 0.00004; TOPMed 0.00005.
gnomAD v4.1: 37 of 1,522,146 alleles (0.0024%); highest among the groups gnomAD compares: Non-Finnish European, 0.0029%; no homozygotes.

Submissions (3):

Labcorp Genetics (formerly Invitae), Labcorp
Classification: Uncertain significance for Brugada syndrome 8. Last evaluated: 2024-12-20. Review status: criteria provided, single submitter. Criteria: Invitae Variant Classification Sherloc (09022015). Collection method: clinical testing. Allele origin: germline.
Comment: This sequence change replaces alanine, which is neutral and non-polar, with threonine, which is neutral and polar, at codon 1088 of the HCN4 protein (p.Ala1088Thr). The frequency data for this variant in the population databases is considered unreliable, as metrics indicate poor data quality at this position in the gnomAD database. This missense change has been observed in individual(s) with unexplained cardiac arrest (PMID: 35352813). ClinVar contains an entry for this variant (Variation ID: 470664). Invitae Evidence Modeling of protein sequence and biophysical properties (such as structural, functional, and spatial information, amino acid conservation, physicochemical variation, residue mobility, and thermodynamic stability) indicates that this missense variant is not expected to disrupt HCN4 protein function with a negative predictive value of 95%. In summary, the available evidence is currently insufficient to determine the role of this variant in disease. Therefore, it has been classified as a Variant of Uncertain Significance.

Ambry Genetics
Classification: Uncertain significance for Cardiovascular phenotype. Last evaluated: 2023-11-28. Review status: criteria provided, single submitter. Criteria: Ambry Variant Classification Scheme 2023. Collection method: clinical testing. Allele origin: germline.
Comment: The p.A1088T variant (also known as c.3262G>A), located in coding exon 8 of the HCN4 gene, results from a G to A substitution at nucleotide position 3262. The alanine at codon 1088 is replaced by threonine, an amino acid with similar properties. This amino acid position is conserved. In addition, the in silico prediction for this alteration is inconclusive. Since supporting evidence is limited at this time, the clinical significance of this alteration remains unclear.

Center for Advanced Laboratory Medicine, UC San Diego Health, University of California San Diego
Classification: Uncertain significance for Cardiomyopathy. Last evaluated: 2019-01-22. Review status: criteria provided, single submitter. Criteria: ACMG Guidelines, 2015. Collection method: clinical testing. Allele origin: germline. Affected: yes. Observed: 1 variant allele.

Literature cited by the submitters: PubMed 35352813 (cited by Labcorp Genetics (formerly Invitae), Labcorp).